The following is an entry in ClinVar:

ClinVar aggregate classification (germline): Pathogenic (1 of 4 stars; one submission).

Conditions:
Epilepsy, childhood absence, susceptibility to, 1. Also called: Epilepsy, childhood absence 1. Identifiers: Orphanet 64280, MedGen C1838604, MONDO:0020759, OMIM 600131.
Epilepsy, childhood absence, susceptibility to, 5. Identifiers: Orphanet 64280, MedGen C2677087, MONDO:0012843, OMIM 612269.

gnomAD v4.1: 1 of 1,614,160 alleles (0.000062%); highest among the groups gnomAD compares: Non-Finnish European, 0.000085%; no homozygotes.

Submission:

Labcorp Genetics (formerly Invitae), Labcorp
Classification: Pathogenic for Epilepsy, childhood absence, susceptibility to, 5; Epilepsy, childhood absence, susceptibility to, 1. Last evaluated: 2023-04-26. Review status: criteria provided, single submitter. Criteria: Invitae Variant Classification Sherloc (09022015). Collection method: clinical testing. Allele origin: germline.
Comment: For these reasons, this variant has been classified as Pathogenic. This variant has not been reported in the literature in individuals affected with GABRB3-related conditions. This variant is not present in population databases (gnomAD no frequency). This sequence change creates a premature translational stop signal (p.Tyr329*) in the GABRB3 gene. It is expected to result in an absent or disrupted protein product. Loss-of-function variants in GABRB3 are known to be pathogenic (PMID: 26950270, 28053010).

Literature cited by the submitters: PubMed 26950270; PubMed 28053010.

NM_000814.6(GABRB3):c.987C>G (p.Tyr329Ter)

Gene: GABRB3 (gamma-aminobutyric acid type A receptor subunit beta3; minus strand). Cytogenetic location: 15q12.
Variant type: single nucleotide variant.
Coding change: c.987C>G on transcript NM_000814.6 (MANE Select); coding-DNA position 987, C replaced by G.
Protein change: p.Tyr329Ter; replaces tyrosine 329 with a stop codon.
Molecular consequence: nonsense.
Genome position (GRCh38, 1-based): chr15:26,561,025, G>C on the plus strand (C>G on the coding strand, the complement: GABRB3 is on the minus strand). VCF-style: chr15-26561025-G-C. GRCh37 (hg19) VCF-style: chr15-26806172-G-C.
Other names: c.732C>G, p.Tyr244Ter (NM_001191320.2, NM_001278631.2); c.774C>G, p.Tyr258Ter (NM_001191321.3); c.987C>G, p.Tyr329Ter (NM_021912.5); short protein forms Y244*, Y258*, Y329*.
Identifiers: ClinVar variation 2947142 (VCV002947142.3), dbSNP rs2504153232, ClinGen allele CA391461623.